The following is an entry in ClinVar:

ClinVar aggregate classification (germline): Uncertain significance (1 of 4 stars; one submission).

Allele frequency attached by ClinVar (database versions not stated): gnomAD exomes below 0.00001; gnomAD 0.00001; TOPMed 0.00002.

Submission:

Labcorp Genetics (formerly Invitae), Labcorp
Classification: Uncertain significance. Last evaluated: 2024-10-15. Review status: criteria provided, single submitter. Criteria: Invitae Variant Classification Sherloc (09022015). Collection method: clinical testing. Allele origin: germline.
Comment: This sequence change replaces glycine, which is neutral and non-polar, with arginine, which is basic and polar, at codon 650 of the SAMD11 protein (p.Gly650Arg). This variant is present in population databases (no rsID available, gnomAD 0.006%). This variant has not been reported in the literature in individuals affected with SAMD11-related conditions. ClinVar contains an entry for this variant (Variation ID: 1361363). An algorithm developed to predict the effect of missense changes on protein structure and function (PolyPhen-2) suggests that this variant is likely to be tolerated. In summary, the available evidence is currently insufficient to determine the role of this variant in disease. Therefore, it has been classified as a Variant of Uncertain Significance.

NM_001385641.1(SAMD11):c.2437G>A (p.Gly813Arg)

Gene: SAMD11 (sterile alpha motif domain containing 11; plus strand). Cytogenetic location: 1p36.33.
Variant type: single nucleotide variant.
Coding change: c.2437G>A on transcript NM_001385641.1 (MANE Select); coding-DNA position 2437, G replaced by A.
Protein change: p.Gly813Arg; replaces glycine 813 with arginine.
Molecular consequence: missense variant.
Genome position (GRCh38, 1-based): chr1:944,055, G>A. VCF-style: chr1-944055-G-A. GRCh37 (hg19) VCF-style: chr1-879435-G-A.
Other names: c.2440G>A, p.Gly814Arg (NM_001385640.1); c.1948G>A, p.Gly650Arg (NM_152486.4); short protein forms G650R, G814R, G813R.
Identifiers: ClinVar variation 1361363 (VCV001361363.8), dbSNP rs1397715375, ClinGen allele CA337819258.